The following is an entry in ClinVar:

NM_007227.3(GPR45):c.910G>T (p.Ala304Ser)

Gene: GPR45 (G protein-coupled receptor 45; plus strand). Cytogenetic location: 2q12.1.
Variant type: single nucleotide variant.
Coding change: c.910G>T on transcript NM_007227.3 (MANE Select); coding-DNA position 910, G replaced by T.
Protein change: p.Ala304Ser; replaces alanine 304 with serine.
Molecular consequence: missense variant.
Genome position (GRCh38, 1-based): chr2:105,242,768, G>T. VCF-style: chr2-105242768-G-T. GRCh37 (hg19) VCF-style: chr2-105859225-G-T.
Other names: short protein forms A304S.
Identifiers: ClinVar variation 1976782 (VCV001976782.5), dbSNP rs1005354962, ClinGen allele CA348101491.
Genomic context (GRCh38, chr2:105,242,768, plus strand): 5'-TCCGTCTACAGCCTCCTGTCTGTGTTTAGCCAGCGCTTTTACTGCGGTTCCTCCTTCTAC[G>T]CCACCAGCACCTGCGTCCTGTGGCTCAGTTACCTCAAGTCCGTCTTCAACCCCATCGTCT-3'
Protein context (NP_009158.3, residues 294-314): QRFYCGSSFY[Ala304Ser]TSTCVLWLSY

ClinVar aggregate classification (germline): Uncertain significance (1 of 4 stars; one submission).

gnomAD v4.1: 1 of 1,614,102 alleles (0.000062%); highest among the groups gnomAD compares: South Asian, 0.0011%; no homozygotes.

Submission:

Labcorp Genetics (formerly Invitae), Labcorp
Classification: Uncertain significance. Last evaluated: 2022-08-16. Review status: criteria provided, single submitter. Criteria: Invitae Variant Classification Sherloc (09022015). Collection method: clinical testing. Allele origin: germline.
Comment: This variant has not been reported in the literature in individuals affected with GPR45-related conditions. This sequence change replaces alanine, which is neutral and non-polar, with serine, which is neutral and polar, at codon 304 of the GPR45 protein (p.Ala304Ser). This variant is not present in population databases (gnomAD no frequency). Algorithms developed to predict the effect of missense changes on protein structure and function output the following: SIFT: "Tolerated"; PolyPhen-2: "Benign"; Align-GVGD: "Class C0". The serine amino acid residue is found in multiple mammalian species, which suggests that this missense change does not adversely affect protein function. In summary, the available evidence is currently insufficient to determine the role of this variant in disease. Therefore, it has been classified as a Variant of Uncertain Significance.